The following is an entry in ClinVar:

ClinVar aggregate classification (germline): Uncertain significance. Review status: criteria provided, multiple submitters, no conflicts (2 of 4 stars). 2 submissions from 2 submitters: Uncertain significance (2). Last evaluated 2025-12-15.

Allele frequency attached by ClinVar (database versions not stated): gnomAD exomes 0.00001 and 0.00002; ExAC 0.00003; TOPMed 0.00007; ESP Exome Variant Server 0.00008; gnomAD 0.00009 and 0.00010.
gnomAD v4.1: 22 of 1,612,414 alleles (0.0014%); highest among the groups gnomAD compares: African/African-American, 0.029%; no homozygotes.

Submissions (2):

Labcorp Genetics (formerly Invitae), Labcorp
Classification: Uncertain significance. Last evaluated: 2025-12-15. Review status: criteria provided, single submitter. Criteria: Invitae Variant Classification Sherloc (09022015). Collection method: clinical testing. Allele origin: germline.
Comment: This sequence change replaces tyrosine, which is neutral and polar, with cysteine, which is neutral and slightly polar, at codon 319 of the RASA2 protein (p.Tyr319Cys). This variant is present in population databases (rs370875870, gnomAD 0.03%). This variant has not been reported in the literature in individuals affected with RASA2-related conditions. ClinVar contains an entry for this variant (Variation ID: 1450113). Invitae Evidence Modeling of protein sequence and biophysical properties (such as structural, functional, and spatial information, amino acid conservation, physicochemical variation, residue mobility, and thermodynamic stability) indicates that this missense variant is not expected to disrupt RASA2 protein function with a negative predictive value of 80%. In summary, the available evidence is currently insufficient to determine the role of this variant in disease. Therefore, it has been classified as a Variant of Uncertain Significance.

Ambry Genetics
Classification: Uncertain significance. Last evaluated: 2024-10-12. Review status: criteria provided, single submitter. Criteria: Ambry Variant Classification Scheme 2023. Collection method: clinical testing. Allele origin: germline.

NM_006506.5(RASA2):c.956A>G (p.Tyr319Cys)

Gene: RASA2 (RAS p21 protein activator 2; plus strand). Cytogenetic location: 3q23.
Variant type: single nucleotide variant.
Coding change: c.956A>G on transcript NM_006506.5 (MANE Select); coding-DNA position 956, A replaced by G.
Protein change: p.Tyr319Cys; replaces tyrosine 319 with cysteine.
Molecular consequence: missense variant.
Genome position (GRCh38, 1-based): chr3:141,571,004, A>G. VCF-style: chr3-141571004-A-G. GRCh37 (hg19) VCF-style: chr3-141289846-A-G.
Other names: c.956A>G, p.Tyr319Cys (NM_001303245.3, NM_001303246.3); short protein forms Y319C.
Identifiers: ClinVar variation 1450113 (VCV001450113.10), dbSNP rs370875870, ClinGen allele CA2645372.